The following is an entry in ClinVar:

ClinVar aggregate classification (germline): Pathogenic (1 of 4 stars; one submission).

Conditions:
Developmental and epileptic encephalopathy, 9 (DEE9). Also called: Early infantile epileptic encephalopathy 9; EPILEPSY, FEMALE-RESTRICTED, WITH MENTAL RETARDATION; JUBERG-HELLMAN SYNDROME; PCDH19-Related X-Linked Female-Limited Epilepsy with Mental Retardation. Identifiers: Orphanet 101039, Orphanet 2076, MedGen C1848137, MONDO:0010246, OMIM 300088. Disease mechanism: loss of function.

Submission:

Labcorp Genetics (formerly Invitae), Labcorp
Classification: Pathogenic for Developmental and epileptic encephalopathy, 9. Last evaluated: 2022-09-13. Review status: criteria provided, single submitter. Criteria: Invitae Variant Classification Sherloc (09022015). Collection method: clinical testing. Allele origin: germline.
Comment: For these reasons, this variant has been classified as Pathogenic. This variant has not been reported in the literature in individuals affected with PCDH19-related conditions. This variant is a gross deletion of the genomic region encompassing exon(s) 4 of the PCDH19 gene. This deletion is out-of-frame, and is expected to create a premature termination codon and result in an absent or disrupted protein product. Loss-of-function variants in PCDH19 are known to be pathogenic (PMID: 21053371).

Literature cited by the submitters: PubMed 21053371.

NC_000023.10:g.(?_99605624)_(99605722_?)del

Gene: PCDH19 (protocadherin 19; minus strand). Cytogenetic location: Xq22.1.
Variant type: Deletion.
Identifiers: ClinVar variation 2423945 (VCV002423945.6).